The following is an entry in ClinVar:

NM_018685.5(ANLN):c.176A>T (p.Lys59Ile)

Gene: ANLN (anillin, actin binding protein; plus strand). Cytogenetic location: 7p14.2.
Variant type: single nucleotide variant.
Coding change: c.176A>T on transcript NM_018685.5 (MANE Select); coding-DNA position 176, A replaced by T.
Protein change: p.Lys59Ile; replaces lysine 59 with isoleucine.
Molecular consequence: missense variant.
Genome position (GRCh38, 1-based): chr7:36,399,082, A>T. VCF-style: chr7-36399082-A-T. GRCh37 (hg19) VCF-style: chr7-36438691-A-T.
Other names: c.176A>T, p.Lys59Ile (NM_001284301.3, NM_001284302.3); short protein forms K59I.
Identifiers: ClinVar variation 2077554 (VCV002077554.6), dbSNP rs746376374, ClinGen allele CA4219295.

ClinVar aggregate classification (germline): Uncertain significance. Review status: criteria provided, multiple submitters, no conflicts (2 of 4 stars). 2 submissions from 2 submitters: Uncertain significance (2). Last evaluated 2026-01-31.

Allele frequency attached by ClinVar (database versions not stated): ExAC 0.00001; gnomAD exomes 0.00001; gnomAD 0.00007; TOPMed 0.00007.
gnomAD v4.1: 18 of 1,592,610 alleles (0.0011%); highest among the groups gnomAD compares: African/African-American, 0.024%; no homozygotes.

Submissions (2):

Labcorp Genetics (formerly Invitae), Labcorp
Classification: Uncertain significance. Last evaluated: 2026-01-31. Review status: criteria provided, single submitter. Criteria: Invitae Variant Classification Sherloc (09022015). Collection method: clinical testing. Allele origin: germline.
Comment: This sequence change replaces lysine, which is basic and polar, with isoleucine, which is neutral and non-polar, at codon 59 of the ANLN protein (p.Lys59Ile). This variant is present in population databases (rs746376374, gnomAD 0.03%). This variant has not been reported in the literature in individuals affected with ANLN-related conditions. ClinVar contains an entry for this variant (Variation ID: 2077554). An algorithm developed to predict the effect of missense changes on protein structure and function (PolyPhen-2) suggests that this variant is likely to be disruptive. In summary, the available evidence is currently insufficient to determine the role of this variant in disease. Therefore, it has been classified as a Variant of Uncertain Significance.

Ambry Genetics
Classification: Uncertain significance. Last evaluated: 2025-04-13. Review status: criteria provided, single submitter. Criteria: Ambry Variant Classification Scheme 2023. Collection method: clinical testing. Allele origin: germline.